The following is an entry in ClinVar:

NM_001845.6(COL4A1):c.4494C>G (p.Ser1498Arg)

Gene: COL4A1 (collagen type IV alpha 1 chain; minus strand). Cytogenetic location: 13q34.
Variant type: single nucleotide variant.
Coding change: c.4494C>G on transcript NM_001845.6 (MANE Select); coding-DNA position 4494, C replaced by G.
Protein change: p.Ser1498Arg; replaces serine 1498 with arginine.
Molecular consequence: missense variant.
Genome position (GRCh38, 1-based): chr13:110,161,338, G>C on the plus strand (C>G on the coding strand, the complement: COL4A1 is on the minus strand). VCF-style: chr13-110161338-G-C. GRCh37 (hg19) VCF-style: chr13-110813685-G-C.
Other names: short protein forms S1498R.
Identifiers: ClinVar variation 1717606 (VCV001717606.5), dbSNP rs750133089, ClinGen allele CA388657568.

ClinVar aggregate classification (germline): Uncertain significance (1 of 4 stars; one submission).

Submission:

Labcorp Genetics (formerly Invitae), Labcorp
Classification: Uncertain significance. Last evaluated: 2022-07-14. Review status: criteria provided, single submitter. Criteria: Invitae Variant Classification Sherloc (09022015). Collection method: clinical testing. Allele origin: germline.
Comment: In summary, the available evidence is currently insufficient to determine the role of this variant in disease. Therefore, it has been classified as a Variant of Uncertain Significance. Algorithms developed to predict the effect of missense changes on protein structure and function are either unavailable or do not agree on the potential impact of this missense change (SIFT: "Deleterious"; PolyPhen-2: "Not Available"; Align-GVGD: "Class C15"). This variant has not been reported in the literature in individuals affected with COL4A1-related conditions. This variant is not present in population databases (gnomAD no frequency). This sequence change replaces serine, which is neutral and polar, with arginine, which is basic and polar, at codon 1498 of the COL4A1 protein (p.Ser1498Arg).